The following is an entry in ClinVar:

ClinVar aggregate classification (germline): Conflicting classifications of pathogenicity. Review status: criteria provided, conflicting classifications (1 of 4 stars). 2 submissions from 2 submitters: Uncertain significance (1); Likely benign (1). Last evaluated 2023-03-23.

Conditions:
Hereditary cancer-predisposing syndrome. Also called: Neoplastic Syndromes, Hereditary; Tumor predisposition; Hereditary Cancer Syndrome; Hereditary neoplastic syndrome. Identifiers: Orphanet 140162, MedGen C0027672, MeSH D009386, MONDO:0015356.
Hereditary breast ovarian cancer syndrome. Also called: Breast and ovarian cancer; BRCA1- and BRCA2-Associated Hereditary Breast and Ovarian Cancer; Hereditary breast and ovarian cancer; Hereditary breast and ovarian cancer syndrome (HBOC); Hereditary breast and/or ovarian cancer syndrome; Hereditary breast and ovarian cancer syndrome. Identifiers: Orphanet 145, MedGen C0677776, MeSH D061325, MONDO:0003582. Disease mechanism: loss of function.

Submissions (2):

University of Washington Department of Laboratory Medicine, University of Washington
Classification: Likely benign for Hereditary cancer-predisposing syndrome. Last evaluated: 2023-03-23. Review status: criteria provided, single submitter. Criteria: Dines et al. (Genet Med. 2020). Collection method: curation. Allele origin: germline.
Comment: Missense variant in a coldspot region where missense variants are very unlikely to be pathogenic (PMID:31911673).

BRCA2 exon 11 coldspot. Reclassification based on statistical prior probability.

Labcorp Genetics (formerly Invitae), Labcorp
Classification: Uncertain significance for Hereditary breast ovarian cancer syndrome. Last evaluated: 2018-07-20. Review status: criteria provided, single submitter. Criteria: Invitae Variant Classification Sherloc (09022015). Collection method: clinical testing. Allele origin: germline.
Comment: In summary, the available evidence is currently insufficient to determine the role of this variant in disease. Therefore, it has been classified as a Variant of Uncertain Significance. Algorithms developed to predict the effect of missense changes on protein structure and function output the following: SIFT: "Tolerated"; PolyPhen-2: "Possibly Damaging"; Align-GVGD: "Class C0". The glycine amino acid residue is found in multiple mammalian species, suggesting that this missense change does not adversely affect protein function. These predictions have not been confirmed by published functional studies and their clinical significance is uncertain. This variant has not been reported in the literature in individuals with BRCA2-related disease. This variant is not present in population databases (ExAC no frequency). This sequence change replaces glutamic acid with glycine at codon 1703 of the BRCA2 protein (p.Glu1703Gly). The glutamic acid residue is weakly conserved and there is a moderate physicochemical difference between glutamic acid and glycine.

NM_000059.4(BRCA2):c.5108A>G (p.Glu1703Gly)

Gene: BRCA2 (BRCA2 DNA repair associated; plus strand). Cytogenetic location: 13q13.1.
Variant type: single nucleotide variant.
Coding change: c.5108A>G on transcript NM_000059.4 (MANE Select); coding-DNA position 5108, A replaced by G.
Protein change: p.Glu1703Gly; replaces glutamic acid 1703 with glycine.
Molecular consequence: missense variant.
Genome position (GRCh38, 1-based): chr13:32,339,463, A>G. VCF-style: chr13-32339463-A-G. GRCh37 (hg19) VCF-style: chr13-32913600-A-G.
Other names: short protein forms E1703G.
Identifiers: ClinVar variation 649006 (VCV000649006.10), dbSNP rs746177907, ClinGen allele CA387784133.
Genomic context (GRCh38, chr13:32,339,463, plus strand): 5'-AGACTTCATTACTTGAAGCAAAAAAATGGCTTAGAGAAGGAATATTTGATGGTCAACCAG[A>G]AAGAATAAATACTGCAGATTATGTAGGAAATTATTTGTATGAAAATAATTCAAACAGTAC-3'
Protein context (NP_000050.3, residues 1693-1713): LREGIFDGQP[Glu1703Gly]RINTADYVGN